The following is an entry in ClinVar:

NM_000540.3(RYR1):c.9721C>T (p.Pro3241Ser)

Gene: RYR1 (ryanodine receptor 1; plus strand). Cytogenetic location: 19q13.2.
Variant type: single nucleotide variant.
Coding change: c.9721C>T on transcript NM_000540.3 (MANE Select); coding-DNA position 9721, C replaced by T.
Protein change: p.Pro3241Ser; replaces proline 3241 with serine.
Molecular consequence: missense variant.
Genome position (GRCh38, 1-based): chr19:38,517,394, C>T. VCF-style: chr19-38517394-C-T. GRCh37 (hg19) VCF-style: chr19-39008034-C-T.
Other names: c.9721C>T, p.Pro3241Ser (NM_001042723.2); short protein forms P3241S.
Identifiers: ClinVar variation 3073205 (VCV003073205.2), dbSNP rs770191668, ClinGen allele CA074083.

ClinVar aggregate classification (germline): Uncertain significance. Review status: criteria provided, multiple submitters, no conflicts (2 of 4 stars). 2 submissions from 2 submitters: Uncertain significance (2). Last evaluated 2026-07-01.

Conditions:
Malignant hyperthermia, susceptibility to, 1 (MHS1). Also called: Anesthesia related hyperthermia; Malignant hyperpyrexia; Fulminating hyperpyrexia; Pharmacogenic myopathy; RYR1-Related Malignant Hyperthermia Susceptibility; Malignant hyperthermia suceptibility 1. Identifiers: Orphanet 423, MedGen C2930980, MONDO:0007783, OMIM 145600.
Inborn genetic diseases. Identifiers: MedGen C0950123, MeSH D030342.

Allele frequency attached by ClinVar (database versions not stated): ExAC 0.00002; gnomAD exomes below 0.00001.
gnomAD v4.1: 3 of 1,614,042 alleles (0.00019%); highest among the groups gnomAD compares: South Asian, 0.0033%; no homozygotes.

Submissions (2):

Ambry Genetics
Classification: Uncertain significance for Inborn genetic diseases. Last evaluated: 2026-07-01. Review status: criteria provided, single submitter. Criteria: Ambry Variant Classification Scheme 2023. Collection method: clinical testing. Allele origin: germline.
Comment: The p.P3241S variant (also known as c.9721C>T), located in coding exon 66 of the RYR1 gene, results from a C to T substitution at nucleotide position 9721. The proline at codon 3241 is replaced by serine, an amino acid with similar properties. This amino acid position is conserved. In addition, the in silico prediction for this alteration is inconclusive. Based on the available evidence, the clinical significance of this variant remains unclear.

All of Us Research Program, National Institutes of Health
Classification: Uncertain significance for Malignant hyperthermia, susceptibility to, 1. Last evaluated: 2023-08-28. Review status: criteria provided, single submitter. Criteria: ACMG Guidelines, 2015. Collection method: clinical testing. Allele origin: germline. Inheritance: Autosomal dominant inheritance. Observed: 1 variant allele, 1 heterozygote.
Comment: This missense variant replaces proline with serine at codon 3241 of the RYR1 protein. Computational prediction suggests that this variant may not impact protein structure and function (internally defined REVEL score threshold <= 0.5, PMID: 27666373). To our knowledge, functional studies have not been reported for this variant. This variant has not been reported in individuals affected with RYR1-related disorders in the literature. This variant has been identified in 2/248846 chromosomes in the general population by the Genome Aggregation Database (gnomAD). The available evidence is insufficient to determine the role of this variant in disease conclusively. Therefore, this variant is classified as a Variant of Uncertain Significance.

This study involves interpretation of variants in research participants for the purpose of population health screening. Participant phenotype was not available at the time of variant classification. Additional details can be found in publication PMID: 35346344, PMCID: PMC8962531